The following is an entry in ClinVar:

NM_003280.3(TNNC1):c.455-3C>T

Gene: TNNC1 (troponin C1, slow skeletal and cardiac type; minus strand). Cytogenetic location: 3p21.1.
Variant type: single nucleotide variant.
Coding change: c.455-3C>T on transcript NM_003280.3 (MANE Select); 3 bases into the intron before coding-DNA position 455, C replaced by T.
Molecular consequence: intron variant.
Genome position (GRCh38, 1-based): chr3:52,451,309, G>A on the plus strand (C>T on the coding strand, the complement: TNNC1 is on the minus strand). VCF-style: chr3-52451309-G-A. GRCh37 (hg19) VCF-style: chr3-52485325-G-A.
Identifiers: ClinVar variation 2941248 (VCV002941248.3), dbSNP rs2471443440, ClinGen allele CA2740094473.

ClinVar aggregate classification (germline): Uncertain significance (1 of 4 stars; one submission).

Conditions:
Dilated cardiomyopathy 1Z (CMD1Z). Identifiers: Orphanet 154, MedGen C2678475, MONDO:0012745, OMIM 611879.
Hypertrophic cardiomyopathy 13. Also called: TNNC1-Related Familial Hypertrophic Cardiomyopathy. Identifiers: MedGen C2750472, MONDO:0013195, OMIM 613243.

Submission:

Labcorp Genetics (formerly Invitae), Labcorp
Classification: Uncertain significance for Hypertrophic cardiomyopathy 13; Dilated cardiomyopathy 1Z. Last evaluated: 2022-11-03. Review status: criteria provided, single submitter. Criteria: Invitae Variant Classification Sherloc (09022015). Collection method: clinical testing. Allele origin: germline.
Comment: This sequence change falls in intron 5 of the TNNC1 gene. It does not directly change the encoded amino acid sequence of the TNNC1 protein. It affects a nucleotide within the consensus splice site. In summary, the available evidence is currently insufficient to determine the role of this variant in disease. Therefore, it has been classified as a Variant of Uncertain Significance. Variants that disrupt the consensus splice site are a relatively common cause of aberrant splicing (PMID: 17576681, 9536098). Algorithms developed to predict the effect of sequence changes on RNA splicing suggest that this variant is not likely to affect RNA splicing. This variant has not been reported in the literature in individuals affected with TNNC1-related conditions. This variant is not present in population databases (gnomAD no frequency).

Literature cited by the submitters: PubMed 17576681; PubMed 9536098.